The following is an entry in ClinVar:

ClinVar aggregate classification (germline): Pathogenic (1 of 4 stars; one submission).

Submission:

Labcorp Genetics (formerly Invitae), Labcorp
Classification: Pathogenic. Last evaluated: 2023-03-16. Review status: criteria provided, single submitter. Criteria: Invitae Variant Classification Sherloc (09022015). Collection method: clinical testing. Allele origin: germline.
Comment: For these reasons, this variant has been classified as Pathogenic. This variant has not been reported in the literature in individuals affected with ASNS-related conditions. This variant is not present in population databases (gnomAD no frequency). This sequence change creates a premature translational stop signal (p.Phe134Profs*3) in the ASNS gene. It is expected to result in an absent or disrupted protein product. Loss-of-function variants in ASNS are known to be pathogenic (PMID: 27422383, 30057589).

Literature cited by the submitters: PubMed 27422383; PubMed 30057589.

NM_001673.5(ASNS):c.399_400del (p.Phe134fs)

Genes: ASNS (asparagine synthetase (glutamine-hydrolyzing); minus strand), CZ1P-ASNS (CZ1P-ASNS readthrough; minus strand). Cytogenetic location: 7q21.3.
Variant type: Microsatellite.
Coding change: c.399_400del on transcript NM_001673.5 (MANE Select); coding-DNA positions 399 to 400, 2 bases deleted (GT; older notation c.399_400delGT).
Protein change: p.Phe134fs; shifts the reading frame from phenylalanine 134.
Molecular consequence: frameshift variant. On other transcripts: non-coding transcript variant (1).
Genome position (GRCh38, 1-based): chr7:97,864,346-97,864,347, AC deleted on the plus strand (GT on the coding strand, the reverse complement: ASNS is on the minus strand); deleting any 2 consecutive bases within chr7:97,864,346-97,864,349 gives the same sequence; the c. name uses the placement nearest the transcript's 3' end. VCF-style (leftmost placement, unchanged base first): chr7-97864345-AAC-A. GRCh37 (hg19) VCF-style: chr7-97493657-AAC-A.
Other names: c.336_337del, p.Phe113fs (NM_001178075.2); c.150_151del, p.Phe51fs (NM_001178076.2, NM_001178077.1); c.399_400del, p.Phe134fs (NM_001352496.2, NM_133436.3, NM_183356.4); short protein forms F51fs, F134fs, F113fs.
Identifiers: ClinVar variation 2846241 (VCV002846241.3), dbSNP rs2484682215, ClinGen allele CA2739278613.
Genomic context (GRCh38, chr7:97,864,345, plus strand): 5'-AATCCATCTTCTGTCATTGCTTTAAACAAAGGTCTGACTCCATATGTATCTCTACCCAGG[AAC>A]ACTTTCTTATTGGCAGTATCCAGTAAAACAAATGCAAACACACCATCCAACATACAAATT-3'